The following is an entry in ClinVar:

ClinVar aggregate classification (germline): Uncertain significance (1 of 4 stars; one submission).

Submission:

Labcorp Genetics (formerly Invitae), Labcorp
Classification: Uncertain significance. Last evaluated: 2021-06-19. Review status: criteria provided, single submitter. Criteria: Invitae Variant Classification Sherloc (09022015). Collection method: clinical testing. Allele origin: germline.
Comment: In summary, the available evidence is currently insufficient to determine the role of this variant in disease. Therefore, it has been classified as a Variant of Uncertain Significance. Nucleotide substitutions within the consensus splice site are a relatively common cause of aberrant splicing (PMID: 17576681, 9536098). Algorithms developed to predict the effect of sequence changes on RNA splicing suggest that this variant may create or strengthen a splice site, but this prediction has not been confirmed by published transcriptional studies. This variant has not been reported in the literature in individuals with PROM1-related conditions. This variant is also known as c.221-2_222dup. This variant is not present in population databases (ExAC no frequency). This sequence change falls in intron 1 of the PROM1 gene. It does not directly change the encoded amino acid sequence of the PROM1 protein. It affects a nucleotide within the consensus splice site of the intron.

Literature cited by the submitters: PubMed 17576681; PubMed 9536098.

NM_006017.3(PROM1):c.221-1_223dup

Gene: PROM1 (prominin 1; minus strand). Cytogenetic location: 4p15.32.
Variant type: Duplication.
Coding change: c.221-1_223dup on transcript NM_006017.3 (MANE Select); the canonical splice acceptor site of the intron before coding-DNA position 221 through coding-DNA position 223, 4 bases duplicated (GATA; older notation c.221-1_223dupGATA).
Molecular consequence: splice acceptor variant.
Genome position (GRCh38, 1-based): chr4:16,038,999-16,039,002, TATC duplicated on the plus strand (GATA on the coding strand, the reverse complement: PROM1 is on the minus strand); duplicating any 4 consecutive bases within chr4:16,038,999-16,039,003 gives the same sequence; the c. name uses the placement nearest the transcript's 3' end. VCF-style (leftmost placement, unchanged base first): chr4-16038998-G-GTATC. GRCh37 (hg19) VCF-style: chr4-16040621-G-GTATC.
Other names: c.221-1_223dup (NM_001145848.2, NM_001145852.2, NM_001145847.2 and 6 more transcripts).
Identifiers: ClinVar variation 1469735 (VCV001469735.6), dbSNP rs1734568558, ClinGen allele CA1440904723.
Genomic context (GRCh38, chr4:16,038,998, plus strand): 5'-AAAATTACCTTGTCATAATCAATTTTGGATTCATATGCCTTCTGTAAGAATTTTCTCAAA[G>GTATC]TATCTGGAAAAAAAGCCACAAAATAGCAATATTATTTTTTCAGTAAAATTATAAAATGCA-3'